The following is an entry in ClinVar:

ClinVar aggregate classification (germline): Uncertain significance. Review status: criteria provided, multiple submitters, no conflicts (2 of 4 stars). 3 submissions from 3 submitters: Uncertain significance (3). Last evaluated 2025-06-19.

Conditions:
BAAT-related disorder. Also called: BAAT-related condition.

Allele frequency attached by ClinVar (database versions not stated): gnomAD 0.00001; gnomAD exomes 0.00001; TOPMed 0.00001; ExAC 0.00002.

Submissions (3):

PreventionGenetics, part of Exact Sciences
Classification: Uncertain significance for BAAT-related condition. Last evaluated: 2025-06-19. Review status: criteria provided, single submitter. Criteria: ACMG Guidelines, 2015. Collection method: clinical testing. Allele origin: germline.
Comment: The BAAT c.250C>T variant is predicted to result in the amino acid substitution p.Pro84Ser. To our knowledge, this variant has not been reported in the literature. This variant is reported in 0.0062% of alleles in individuals of African descent in gnomAD. At this time, the clinical significance of this variant is uncertain due to the absence of conclusive functional and genetic evidence.

Ambry Genetics
Classification: Uncertain significance. Last evaluated: 2023-09-26. Review status: criteria provided, single submitter. Criteria: Ambry Variant Classification Scheme 2023. Collection method: clinical testing. Allele origin: germline.

Eurofins Ntd Llc (ga)
Classification: Uncertain significance. Last evaluated: 2017-06-12. Review status: criteria provided, single submitter. Criteria: EGL Classification Definitions 2015. Collection method: clinical testing. Allele origin: germline. Observed: 1 variant allele, 1 heterozygote.

NM_001701.4(BAAT):c.250C>T (p.Pro84Ser)

Gene: BAAT (bile acid-CoA:amino acid N-acyltransferase; minus strand). Cytogenetic location: 9q31.1.
Variant type: single nucleotide variant.
Coding change: c.250C>T on transcript NM_001701.4 (MANE Select); coding-DNA position 250, C replaced by T.
Protein change: p.Pro84Ser; replaces proline 84 with serine.
Molecular consequence: missense variant.
Genome position (GRCh38, 1-based): chr9:101,371,155, G>A on the plus strand (C>T on the coding strand, the complement: BAAT is on the minus strand). VCF-style: chr9-101371155-G-A. GRCh37 (hg19) VCF-style: chr9-104133437-G-A.
Other names: c.250C>T (NM_001701.3); c.250C>T, p.Pro84Ser (NM_001127610.2, NM_001374715.1); short protein forms P84S.
Identifiers: ClinVar variation 502529 (VCV000502529.7), dbSNP rs369808582, ClinGen allele CA5160761.